The following is an entry in ClinVar:

ClinVar aggregate classification (germline): Pathogenic (1 of 4 stars; one submission).

Submission:

Labcorp Genetics (formerly Invitae), Labcorp
Classification: Pathogenic. Last evaluated: 2024-01-22. Review status: criteria provided, single submitter. Criteria: Invitae Variant Classification Sherloc (09022015). Collection method: clinical testing. Allele origin: germline.
Comment: This sequence change creates a premature translational stop signal (p.Trp122Metfs*6) in the GNPTG gene. It is expected to result in an absent or disrupted protein product. Loss-of-function variants in GNPTG are known to be pathogenic (PMID: 19370764, 20301784). This variant is not present in population databases (gnomAD no frequency). This variant has not been reported in the literature in individuals affected with GNPTG-related conditions. For these reasons, this variant has been classified as Pathogenic.

Literature cited by the submitters: PubMed 19370764; PubMed 20301784.

NM_032520.5(GNPTG):c.363_364insA (p.Trp122fs)

Gene: GNPTG (N-acetylglucosamine-1-phosphate transferase subunit gamma; plus strand). Cytogenetic location: 16p13.3.
Variant type: Insertion.
Coding change: c.363_364insA on transcript NM_032520.5 (MANE Select); coding-DNA positions 363 to 364, A inserted.
Protein change: p.Trp122fs; shifts the reading frame from tryptophan 122.
Molecular consequence: frameshift variant.
Genome position: GRCh38 VCF-style: chr16-1362083-G-GA. GRCh37 (hg19) VCF-style: chr16-1412084-G-GA.
Other names: short protein forms W122fs.
Identifiers: ClinVar variation 2710746 (VCV002710746.3), dbSNP rs2548189846, ClinGen allele CA2697549477.